The following is an entry in ClinVar:

ClinVar aggregate classification (germline): Conflicting classifications of pathogenicity. Review status: criteria provided, conflicting classifications (1 of 4 stars). 2 submissions from 2 submitters: Uncertain significance (1); Likely benign (1). Last evaluated 2025-07-09.

Allele frequency attached by ClinVar (database versions not stated): ExAC 0.00007; ESP Exome Variant Server 0.00008; gnomAD exomes 0.00009; TOPMed 0.00009; gnomAD 0.00010 and 0.00011.
gnomAD v4.1: 305 of 1,613,978 alleles (0.019%); highest among the groups gnomAD compares: Non-Finnish European, 0.024%; 1 homozygote.

Submissions (2):

Labcorp Genetics (formerly Invitae), Labcorp
Classification: Uncertain significance. Last evaluated: 2025-07-09. Review status: criteria provided, single submitter. Criteria: Invitae Variant Classification Sherloc (09022015). Collection method: clinical testing. Allele origin: germline.
Comment: This sequence change replaces alanine, which is neutral and non-polar, with threonine, which is neutral and polar, at codon 222 of the BMP2 protein (p.Ala222Thr). This variant is present in population databases (rs140884062, gnomAD 0.02%). This missense change has been observed in individual(s) with BMP2-related conditions (PMID: 37125634). ClinVar contains an entry for this variant (Variation ID: 1402176). An algorithm developed to predict the effect of missense changes on protein structure and function outputs the following: PolyPhen-2: "Benign". The threonine amino acid residue is found in multiple mammalian species, which suggests that this missense change does not adversely affect protein function. In summary, the available evidence is currently insufficient to determine the role of this variant in disease. Therefore, it has been classified as a Variant of Uncertain Significance.

Blueprint Genetics
Classification: Likely benign. Last evaluated: 2023-10-19. Review status: criteria provided, single submitter. Criteria: ACMG Guidelines, 2015. Collection method: clinical testing. Allele origin: germline.

Literature cited by the submitters: PubMed 37125634 (cited by Labcorp Genetics (formerly Invitae), Labcorp).

NM_001200.4(BMP2):c.664G>A (p.Ala222Thr)

Gene: BMP2 (bone morphogenetic protein 2; plus strand). Cytogenetic location: 20p12.3.
Variant type: single nucleotide variant.
Coding change: c.664G>A on transcript NM_001200.4 (MANE Select); coding-DNA position 664, G replaced by A.
Protein change: p.Ala222Thr; replaces alanine 222 with threonine.
Molecular consequence: missense variant.
Genome position (GRCh38, 1-based): chr20:6,778,562, G>A. VCF-style: chr20-6778562-G-A. GRCh37 (hg19) VCF-style: chr20-6759209-G-A.
Other names: short protein forms A222T.
Identifiers: ClinVar variation 1402176 (VCV001402176.8), dbSNP rs140884062, ClinGen allele CA9758726.